The following is an entry in ClinVar:

ClinVar aggregate classification (germline): Pathogenic (1 of 4 stars; one submission).

Conditions:
Hereditary breast ovarian cancer syndrome. Also called: Hereditary breast and ovarian cancer syndrome; Hereditary breast and/or ovarian cancer syndrome; Hereditary breast and ovarian cancer; Hereditary breast and ovarian cancer syndrome (HBOC); Breast and ovarian cancer; BRCA1- and BRCA2-Associated Hereditary Breast and Ovarian Cancer. Identifiers: Orphanet 145, MedGen C0677776, MeSH D061325, MONDO:0003582. Disease mechanism: loss of function.

Submission:

Labcorp Genetics (formerly Invitae), Labcorp
Classification: Pathogenic for Hereditary breast ovarian cancer syndrome. Last evaluated: 2024-10-22. Review status: criteria provided, single submitter. Criteria: Invitae Variant Classification Sherloc (09022015). Collection method: clinical testing. Allele origin: germline.
Comment: This sequence change creates a premature translational stop signal (p.Asn2644*) in the BRCA2 gene. It is expected to result in an absent or disrupted protein product. Loss-of-function variants in BRCA2 are known to be pathogenic (PMID: 20104584). This variant is not present in population databases (gnomAD no frequency). This variant has not been reported in the literature in individuals affected with BRCA2-related conditions. For these reasons, this variant has been classified as Pathogenic.

Literature cited by the submitters: PubMed 20104584.

NM_000059.4(BRCA2):c.7929dup (p.Asn2644Ter)

Gene: BRCA2 (BRCA2 DNA repair associated; plus strand). Cytogenetic location: 13q13.1.
Variant type: Duplication.
Coding change: c.7929dup on transcript NM_000059.4 (MANE Select); coding-DNA position 7929, one base duplicated (T; older notation c.7929dupT).
Protein change: p.Asn2644Ter; replaces asparagine 2644 with a stop codon.
Molecular consequence: nonsense. On other transcripts: non-coding transcript variant (1).
Genome position (GRCh38, 1-based): chr13:32,362,646, T duplicated. VCF-style (leftmost placement, unchanged base first): chr13-32362645-C-CT. GRCh37 (hg19) VCF-style: chr13-32936782-C-CT.
Other names: c.7833dup, p.Asn2612Ter (NM_001406719.1); c.7929dup, p.Asn2644Ter (NM_001406720.1, NM_001432077.1); c.2997dup, p.Asn1000Ter (NM_001406721.1); c.1512dup, p.Asn505Ter (NM_001406722.1); short protein forms N1000*, N2612*, N2644*, N505*.
Identifiers: ClinVar variation 3723536 (VCV003723536.2).